The following is an entry in ClinVar:

NM_130398.4(EXO1):c.1692G>A (p.Pro564=)

Gene: EXO1 (exonuclease 1; plus strand). Cytogenetic location: 1q43.
Variant type: single nucleotide variant.
Coding change: c.1692G>A on transcript NM_130398.4 (MANE Select); coding-DNA position 1692, G replaced by A.
Protein change: p.Pro564=; no amino-acid change (proline 564 retained).
Molecular consequence: synonymous variant.
Genome position (GRCh38, 1-based): chr1:241,878,926, G>A. VCF-style: chr1-241878926-G-A. GRCh37 (hg19) VCF-style: chr1-242042228-G-A.
Other names: c.1689G>A, p.Pro563= (NM_001319224.2); c.1692G>A, p.Pro564= (NM_003686.4, NM_006027.4).
Identifiers: ClinVar variation 3049367 (VCV003049367.3), dbSNP rs754886009, ClinGen allele CA1481427.

ClinVar aggregate classification (germline): Likely benign. Review status: criteria provided, single submitter (1 of 4 stars). 2 submissions from 2 submitters: Likely benign (1). 1 of the submissions does not count toward it. Last evaluated 2024-01-30.

Conditions:
EXO1-related disorder. Also called: EXO1-related condition.

Allele frequency attached by ClinVar (database versions not stated): TOPMed 0.00002; gnomAD 0.00003; ExAC 0.00004.

Submissions (2):

Blueprint Genetics
Classification: Likely benign. Last evaluated: 2024-01-30. Review status: criteria provided, single submitter. Criteria: ACMG Guidelines, 2015. Collection method: clinical testing. Allele origin: germline.

PreventionGenetics, part of Exact Sciences
Classification: Likely benign for EXO1-related condition. Last evaluated: 2019-07-16. Review status: no assertion criteria provided. Collection method: clinical testing. Allele origin: germline. Not counted in ClinVar's aggregate classification.
Comment: This variant is classified as likely benign based on ACMG/AMP sequence variant interpretation guidelines (Richards et al. 2015 PMID: 25741868, with internal and published modifications).